The following is an entry in ClinVar:

ClinVar aggregate classification (germline): Uncertain significance. Review status: criteria provided, multiple submitters, no conflicts (2 of 4 stars). 5 submissions from 5 submitters: Uncertain significance (5). Last evaluated 2026-01-12.

Conditions:
Developmental and epileptic encephalopathy, 12 (DEE12). Identifiers: MedGen C3150988, MONDO:0013389, OMIM 613722.
Inborn genetic diseases. Identifiers: MedGen C0950123, MeSH D030342.

Allele frequency attached by ClinVar (database versions not stated): ExAC 0.00002; gnomAD exomes 0.00002 and 0.00004; gnomAD 0.00003 and 0.00004; TOPMed 0.00003.

Submissions (5):

Labcorp Genetics (formerly Invitae), Labcorp
Classification: Uncertain significance for Developmental and epileptic encephalopathy, 12. Last evaluated: 2026-01-12. Review status: criteria provided, single submitter. Criteria: Invitae Variant Classification Sherloc (09022015). Collection method: clinical testing. Allele origin: germline.
Comment: This sequence change replaces glycine, which is neutral and non-polar, with serine, which is neutral and polar, at codon 478 of the PLCB1 protein (p.Gly478Ser). This variant is present in population databases (rs749354249, gnomAD 0.02%). This variant has not been reported in the literature in individuals affected with PLCB1-related conditions. ClinVar contains an entry for this variant (Variation ID: 499431). Invitae Evidence Modeling of protein sequence and biophysical properties (such as structural, functional, and spatial information, amino acid conservation, physicochemical variation, residue mobility, and thermodynamic stability) indicates that this missense variant is not expected to disrupt PLCB1 protein function with a negative predictive value of 80%. In summary, the available evidence is currently insufficient to determine the role of this variant in disease. Therefore, it has been classified as a Variant of Uncertain Significance.

ARUP Laboratories, Molecular Genetics and Genomics, ARUP Laboratories
Classification: Uncertain significance for Developmental and epileptic encephalopathy, 12. Last evaluated: 2025-03-31. Review status: criteria provided, single submitter. Criteria: ARUP Molecular Germline Variant Investigation Process 2024. Collection method: clinical testing. Allele origin: germline.

Ambry Genetics
Classification: Uncertain significance for Inborn genetic diseases. Last evaluated: 2022-09-06. Review status: criteria provided, single submitter. Criteria: Ambry Variant Classification Scheme 2023. Collection method: clinical testing. Allele origin: germline.

Blueprint Genetics
Classification: Uncertain significance. Last evaluated: 2018-11-06. Review status: criteria provided, single submitter. Criteria: ACMG Guidelines, 2015. Collection method: clinical testing. Allele origin: germline.

Eurofins Ntd Llc (ga)
Classification: Uncertain significance. Last evaluated: 2017-01-20. Review status: criteria provided, single submitter. Criteria: EGL Classification Definitions 2015. Collection method: clinical testing. Allele origin: germline. Observed: 1 variant allele, 1 heterozygote.

NM_015192.4(PLCB1):c.1432G>A (p.Gly478Ser)

Gene: PLCB1 (phospholipase C beta 1; plus strand). Cytogenetic location: 20p12.3.
Variant type: single nucleotide variant.
Coding change: c.1432G>A on transcript NM_015192.4 (MANE Select); coding-DNA position 1432, G replaced by A.
Protein change: p.Gly478Ser; replaces glycine 478 with serine.
Molecular consequence: missense variant.
Genome position (GRCh38, 1-based): chr20:8,717,767, G>A. VCF-style: chr20-8717767-G-A. GRCh37 (hg19) VCF-style: chr20-8698414-G-A.
Other names: c.1432G>A, p.Gly478Ser (NM_182734.3); short protein forms G478S.
Identifiers: ClinVar variation 499431 (VCV000499431.14), dbSNP rs749354249, ClinGen allele CA9759944.